The following is an entry in ClinVar:

ClinVar aggregate classification (germline): Conflicting classifications of pathogenicity. Review status: criteria provided, conflicting classifications (1 of 4 stars). 4 submissions from 4 submitters: Uncertain significance (1); Likely benign (3). Last evaluated 2025-10-24.

Conditions:
Polycystic liver disease 2 (PCLD2). Also called: Polycystic liver disease 2 with or without kidney cysts. Identifiers: Orphanet 2924, MedGen C4310769, MONDO:0014860, OMIM 617004.
SEC63-related disorder. Also called: SEC63-related condition.

Submissions (4):

PreventionGenetics, part of Exact Sciences
Classification: Likely benign for SEC63-related condition. Last evaluated: 2025-10-24. Review status: criteria provided, single submitter. Criteria: ACMG Guidelines, 2015. Collection method: clinical testing. Allele origin: germline.
Comment: This variant is classified as likely benign based on ACMG/AMP sequence variant interpretation guidelines (Richards et al. 2015 PMID: 25741868, with internal and published modifications).

Labcorp Genetics (formerly Invitae), Labcorp
Classification: Likely benign. Last evaluated: 2025-05-03. Review status: criteria provided, single submitter. Criteria: Invitae Variant Classification Sherloc (09022015). Collection method: clinical testing. Allele origin: germline.

GeneDx
Classification: Uncertain significance. Last evaluated: 2024-02-29. Review status: criteria provided, single submitter. Criteria: GeneDx Variant Classification Process June 2021. Collection method: clinical testing. Allele origin: germline. Affected: yes.
Comment: In-frame insertion of 1 amino acid in a non-repeat region; Has not been previously published as pathogenic or benign to our knowledge

Department of Pathology and Laboratory Medicine, Sinai Health System
Classification: Likely benign for Polycystic liver disease 2. Last evaluated: 2021-07-30. Review status: criteria provided, single submitter. Criteria: ACMG Guidelines, 2015. Collection method: research. Allele origin: germline.

NM_007214.5(SEC63):c.1625_1626insTAC (p.Pro542_Gln543insThr)

Gene: SEC63 (SEC63 protein translocation regulator; minus strand). Cytogenetic location: 6q21.
Variant type: Insertion.
Coding change: c.1625_1626insTAC on transcript NM_007214.5 (MANE Select); coding-DNA positions 1625 to 1626, TAC inserted.
Protein change: p.Pro542_Gln543insThr.
Molecular consequence: inframe insertion.
Genome position: GRCh38 VCF-style: chr6-107893530-T-TGTA. GRCh37 (hg19) VCF-style: chr6-108214734-T-TGTA.
Identifiers: ClinVar variation 354903 (VCV000354903.15), dbSNP rs779139584, ClinGen allele CA3947320.